The following is an entry in ClinVar:

ClinVar aggregate classification (germline): Conflicting classifications of pathogenicity. Review status: criteria provided, conflicting classifications (1 of 4 stars). 6 submissions from 6 submitters: Uncertain significance (1); Benign (1); Likely benign (2). 2 of the submissions do not count toward it. Last evaluated 2026-06-01.

Conditions:
Growth delay due to insulin-like growth factor I resistance. Also called: Somatomedin end-organ insensitivity to; Somatomedin-c resistance to; IGF-1 resistance; IGF-I RESISTANCE; Insulin-Like Growth Factor I Resistance. Identifiers: Orphanet 73273, MedGen C1849157, MONDO:0010038, OMIM 270450.

Allele frequency attached by ClinVar (database versions not stated): 1000 Genomes Project 30x 0.00047; TOPMed 0.00053; gnomAD 0.00057 and 0.00058; gnomAD exomes 0.00059 and 0.00083; 1000 Genomes Project 0.00060; ExAC 0.00060; ESP Exome Variant Server 0.00077.
gnomAD v4.1: 1,292 of 1,614,178 alleles (0.08%); highest among the groups gnomAD compares: Non-Finnish European, 0.098%; 2 homozygotes.

Submissions (6):

CeGaT Center for Human Genetics Tuebingen
Classification: Likely benign. Last evaluated: 2026-06-01. Review status: criteria provided, single submitter. Criteria: CeGaT Center For Human Genetics Tuebingen Variant Classification Criteria Version 2. Collection method: clinical testing. Allele origin: germline. Affected: yes. Observed: 5 variant alleles.
Comment: IGF1R: BP4, BP7

Labcorp Genetics (formerly Invitae), Labcorp
Classification: Benign. Last evaluated: 2025-12-31. Review status: criteria provided, single submitter. Criteria: Invitae Variant Classification Sherloc (09022015). Collection method: clinical testing. Allele origin: germline.

Blueprint Genetics
Classification: Likely benign. Last evaluated: 2024-11-01. Review status: criteria provided, single submitter. Criteria: ACMG Guidelines, 2015. Collection method: clinical testing. Allele origin: germline.

Illumina Laboratory Services, Illumina
Classification: Uncertain significance for Growth delay due to insulin-like growth factor I resistance. Last evaluated: 2018-01-12. Review status: criteria provided, single submitter. Criteria: ICSL Variant Classification Criteria 13 December 2019. Collection method: clinical testing. Allele origin: germline.

Clinical Genetics DNA and cytogenetics Diagnostics Lab, Erasmus MC, Erasmus Medical Center
Classification: Likely benign. Review status: no assertion criteria provided. Collection method: clinical testing. Allele origin: germline. Affected: yes. Study: VKGL Data-share Consensus. Not counted in ClinVar's aggregate classification.

Laboratory of Diagnostic Genome Analysis, Leiden University Medical Center (LUMC)
Classification: Likely benign. Review status: no assertion criteria provided. Collection method: clinical testing. Allele origin: germline. Affected: yes. Study: VKGL Data-share Consensus. Not counted in ClinVar's aggregate classification.

NM_000875.5(IGF1R):c.1194C>T (p.Ser398=)

Gene: IGF1R (insulin like growth factor 1 receptor; plus strand). Cytogenetic location: 15q26.3.
Variant type: single nucleotide variant.
Coding change: c.1194C>T on transcript NM_000875.5 (MANE Select); coding-DNA position 1194, C replaced by T.
Protein change: p.Ser398=; no amino-acid change (serine 398 retained).
Molecular consequence: synonymous variant.
Genome position (GRCh38, 1-based): chr15:98,899,568, C>T. VCF-style: chr15-98899568-C-T. GRCh37 (hg19) VCF-style: chr15-99442797-C-T.
Other names: c.1194C>T, p.Ser398= (NM_001291858.2).
Identifiers: ClinVar variation 708118 (VCV000708118.47), dbSNP rs35315829, ClinGen allele CA7752033.
Genomic context (GRCh38, chr15:98,899,568, plus strand): 5'-GGGGCTCATCGAGGTGGTGACGGGCTACGTGAAGATCCGCCATTCTCATGCCTTGGTCTC[C>T]TTGTCCTTCCTAAAAAACCTTCGCCTCATCCTAGGAGAGGAGCAGCTAGAAGGGTAAGTG-3'
Protein context (NP_000866.1, residues 388-408): VKIRHSHALV[Ser398=]LSFLKNLRLI